The following is an entry in ClinVar:

ClinVar aggregate classification (germline): Uncertain significance (1 of 4 stars; one submission).

Submission:

Labcorp Genetics (formerly Invitae), Labcorp
Classification: Uncertain significance. Last evaluated: 2022-08-23. Review status: criteria provided, single submitter. Criteria: Invitae Variant Classification Sherloc (09022015). Collection method: clinical testing. Allele origin: germline.
Comment: This variant has not been reported in the literature in individuals affected with MME-related conditions. This variant is not present in population databases (gnomAD no frequency). This sequence change replaces alanine, which is neutral and non-polar, with threonine, which is neutral and polar, at codon 42 of the MME protein (p.Ala42Thr). ClinVar contains an entry for this variant (Variation ID: 1469104). In summary, the available evidence is currently insufficient to determine the role of this variant in disease. Therefore, it has been classified as a Variant of Uncertain Significance. Algorithms developed to predict the effect of missense changes on protein structure and function (SIFT, PolyPhen-2, Align-GVGD) all suggest that this variant is likely to be tolerated.

NM_007289.4(MME):c.124G>A (p.Ala42Thr)

Gene: MME (membrane metalloendopeptidase; plus strand). Cytogenetic location: 3q25.2.
Variant type: single nucleotide variant.
Coding change: c.124G>A on transcript NM_007289.4 (MANE Select); coding-DNA position 124, G replaced by A.
Protein change: p.Ala42Thr; replaces alanine 42 with threonine.
Molecular consequence: missense variant.
Genome position (GRCh38, 1-based): chr3:155,084,291, G>A. VCF-style: chr3-155084291-G-A. GRCh37 (hg19) VCF-style: chr3-154802080-G-A.
Other names: c.124G>A, p.Ala42Thr (NM_000902.5, NM_001354642.2, NM_001354643.1 and 3 more transcripts); short protein forms A42T.
Identifiers: ClinVar variation 1469104 (VCV001469104.8), dbSNP rs201190279, ClinGen allele CA355128790.